The following is an entry in ClinVar:

ClinVar aggregate classification (germline): Uncertain significance. Review status: criteria provided, multiple submitters, no conflicts (2 of 4 stars). 2 submissions from 2 submitters: Uncertain significance (2). Last evaluated 2025-09-10.

Allele frequency attached by ClinVar (database versions not stated): ExAC 0.00001; gnomAD 0.00001 and 0.00002; gnomAD exomes 0.00001; TOPMed 0.00001.
gnomAD v4.1: 19 of 1,606,622 alleles (0.0012%); highest among the groups gnomAD compares: South Asian, 0.0056%; no homozygotes.

Submissions (2):

Labcorp Genetics (formerly Invitae), Labcorp
Classification: Uncertain significance. Last evaluated: 2025-09-10. Review status: criteria provided, single submitter. Criteria: Invitae Variant Classification Sherloc (09022015). Collection method: clinical testing. Allele origin: germline.
Comment: This sequence change replaces arginine, which is basic and polar, with tryptophan, which is neutral and slightly polar, at codon 72 of the PSMA3 protein (p.Arg72Trp). This variant is present in population databases (rs749644838, gnomAD 0.007%). This variant has not been reported in the literature in individuals affected with PSMA3-related conditions. ClinVar contains an entry for this variant (Variation ID: 1387811). An algorithm developed to predict the effect of missense changes on protein structure and function (PolyPhen-2) suggests that this variant is likely to be tolerated. In summary, the available evidence is currently insufficient to determine the role of this variant in disease. Therefore, it has been classified as a Variant of Uncertain Significance.

Ambry Genetics
Classification: Uncertain significance. Last evaluated: 2021-09-16. Review status: criteria provided, single submitter. Criteria: Ambry Variant Classification Scheme 2023. Collection method: clinical testing. Allele origin: germline.

NM_002788.4(PSMA3):c.214C>T (p.Arg72Trp)

Gene: PSMA3 (proteasome 20S subunit alpha 3; plus strand). Cytogenetic location: 14q23.1.
Variant type: single nucleotide variant.
Coding change: c.214C>T on transcript NM_002788.4 (MANE Select); coding-DNA position 214, C replaced by T.
Protein change: p.Arg72Trp; replaces arginine 72 with tryptophan.
Molecular consequence: missense variant. On other transcripts: non-coding transcript variant (1).
Genome position (GRCh38, 1-based): chr14:58,252,228, C>T. VCF-style: chr14-58252228-C-T. GRCh37 (hg19) VCF-style: chr14-58718946-C-T.
Other names: c.214C>T, p.Arg72Trp (NM_152132.3); c.214C>T (NM_002788.3); short protein forms R72W.
Identifiers: ClinVar variation 1387811 (VCV001387811.9), dbSNP rs749644838, ClinGen allele CA7203687.
Genomic context (GRCh38, chr14:58,252,228, plus strand): 5'-AAATTAGTCCTTTCTAAACTTTATGAAGAAGGTTCCAACAAAAGACTTTTTAATGTTGAT[C>T]GGCATGTTGGAATGGTAAGGTCATGTTTAAAATGTTCCTTTTTGTCTTGTCCAATTTCTT-3'
Protein context (NP_002779.1, residues 62-82): GSNKRLFNVD[Arg72Trp]HVGMAVAGLL